The following is an entry in ClinVar:

ClinVar aggregate classification (germline): Conflicting classifications of pathogenicity. Review status: criteria provided, conflicting classifications (1 of 4 stars). 5 submissions from 5 submitters: Likely pathogenic (1); Uncertain significance (3). 1 of the submissions does not count toward it. Last evaluated 2026-05-11.

Conditions:
Diastrophic dysplasia (DTD). Also called: Diastrophic dwarfism. Identifiers: Orphanet 628, MedGen C0220726, MONDO:0009107, OMIM 222600.
Achondrogenesis, type IB (ACG1B). Also called: Achondrogenesis Type 1B. Identifiers: Orphanet 932, Orphanet 93298, MedGen C0265274, MONDO:0010966, OMIM 600972.
Multiple epiphyseal dysplasia type 4 (EDM4). Also called: MULTIPLE EPIPHYSEAL DYSPLASIA WITH BILAYERED PATELLAE; MULTIPLE EPIPHYSEAL DYSPLASIA WITH CLUBFOOT; MULTIPLE EPIPHYSEAL DYSPLASIA, AUTOSOMAL RECESSIVE; SLC26A2-Related Multiple Epiphyseal Dysplasia; Multiple Epiphyseal Dysplasia, Recessive. Identifiers: Orphanet 93307, MedGen C1847593, MONDO:0009189, OMIM 226900.
Atelosteogenesis type II (AO2). Also called: NEONATAL OSSEOUS DYSPLASIA I; SLC26A2-Related Atelosteogenesis; Neonatal osseous dysplasia 1. Identifiers: Orphanet 56304, MedGen C1850554, MONDO:0009727, OMIM 256050.
Inborn genetic diseases. Identifiers: MedGen C0950123, MeSH D030342.

Allele frequency attached by ClinVar (database versions not stated): gnomAD 0.00001; TOPMed 0.00003; ESP Exome Variant Server 0.00008.

Submissions (5):

Centro Nacional de Genética Medica, Administración Nacional de Laboratorios e Institutos de Salud (ANLIS) “Dr. Carlos G Malbrán”
Classification: Likely pathogenic for Diastrophic dysplasia. Last evaluated: 2026-05-11. Review status: criteria provided, single submitter. Criteria: ACMG Guidelines, 2015. Collection method: clinical testing. Allele origin: germline. Affected: yes. Observed: 2 variant alleles.
Comment: This variant corresponds to a substitution of adenine for guanine in the coding sequence of exon 3 of the 3 total exons of the SLC26A2 gene. Consequently, a change of the amino acid tyrosine at position 1427 to cysteine (missense variant) (p.Tyr476Cys) is predicted. This variant is located in the sulfate transporter domain (PF00916 108-518aa), which belongs to the large APC superfamily of secondary transporters and mediates sulfate uptake in chondrocytes to maintain adequate proteoglycan sulfation, necessary for cartilage development (PMID: 11448940; 15294877) (PM1). This variant is found at a very low frequency (2,664 x 10⁻⁵) in population databases such as GnomAD (PM2_Supporting). The variant is found in heterozygosity in a gene associated with an autosomal recessive disorder and is trans with the likely pathogenic variant SLC26A2:c.611T>A (PM3). This is a missense variant in a gene where most reported missense variants are pathogenic, with 36 pathogenic variants versus 8 benign variants found in the Gnomad v4.1.1 database (PP2). Most bioinformatics predictors characterize this variant as deleterious, with an aggregate score of 0.7 and a Revel score of 0.65 (Deleterious Supporting) (PP3). Based on the above and following the international rules of the American College of Medical Genetics (ACMG), the SLC26A2:c.1427A>G variant, identified in heterozygosity and inherited from the mother, is classified as Probably Pathogenic (PM1, PM2_Supporting, PM3, PP2, and PP3).

Ambry Genetics
Classification: Uncertain significance for Inborn genetic diseases. Last evaluated: 2025-05-05. Review status: criteria provided, single submitter. Criteria: Ambry Variant Classification Scheme 2023. Collection method: clinical testing. Allele origin: germline.

Blueprint Genetics
Classification: Uncertain significance. Last evaluated: 2024-10-24. Review status: criteria provided, single submitter. Criteria: ACMG Guidelines, 2015. Collection method: clinical testing. Allele origin: germline.

Labcorp Genetics (formerly Invitae), Labcorp
Classification: Uncertain significance for Atelosteogenesis type II; Multiple epiphyseal dysplasia type 4; Achondrogenesis, type IB; Diastrophic dysplasia. Last evaluated: 2022-03-13. Review status: criteria provided, single submitter. Criteria: Invitae Variant Classification Sherloc (09022015). Collection method: clinical testing. Allele origin: germline.
Comment: This sequence change replaces tyrosine, which is neutral and polar, with cysteine, which is neutral and slightly polar, at codon 476 of the SLC26A2 protein (p.Tyr476Cys). This variant is present in population databases (rs145765282, gnomAD 0.003%). This variant has not been reported in the literature in individuals affected with SLC26A2-related conditions. ClinVar contains an entry for this variant (Variation ID: 989934). Advanced modeling of protein sequence and biophysical properties (such as structural, functional, and spatial information, amino acid conservation, physicochemical variation, residue mobility, and thermodynamic stability) performed at Invitae indicates that this missense variant is not expected to disrupt SLC26A2 protein function. In summary, the available evidence is currently insufficient to determine the role of this variant in disease. Therefore, it has been classified as a Variant of Uncertain Significance.

Natera, Inc.
Classification: Uncertain significance for Achondrogenesis type IB. Last evaluated: 2020-08-13. Review status: no assertion criteria provided. Collection method: clinical testing. Allele origin: germline. Not counted in ClinVar's aggregate classification.

Literature cited by the submitters: PubMed 11448940 (cited by Centro Nacional de Genética Medica, Administración Nacional de Laboratorios e Institutos de Salud (ANLIS) “Dr. Carlos G Malbrán”); PubMed 15294877 (cited by Centro Nacional de Genética Medica, Administración Nacional de Laboratorios e Institutos de Salud (ANLIS) “Dr. Carlos G Malbrán”).

NM_000112.4(SLC26A2):c.1427A>G (p.Tyr476Cys)

Gene: SLC26A2 (solute carrier family 26 member 2; plus strand). Cytogenetic location: 5q32.
Variant type: single nucleotide variant.
Coding change: c.1427A>G on transcript NM_000112.4 (MANE Select); coding-DNA position 1427, A replaced by G.
Protein change: p.Tyr476Cys; replaces tyrosine 476 with cysteine.
Molecular consequence: missense variant.
Genome position (GRCh38, 1-based): chr5:149,981,020, A>G. VCF-style: chr5-149981020-A-G. GRCh37 (hg19) VCF-style: chr5-149360583-A-G.
Other names: c.1427A>G (NM_000112.3); short protein forms Y476C.
Identifiers: ClinVar variation 989934 (VCV000989934.6), dbSNP rs145765282, ClinGen allele CA3505435.